The following is an entry in ClinVar:

NM_031466.8(TRAPPC9):c.-212G>C

Gene: TRAPPC9 (trafficking protein particle complex subunit 9; minus strand). Cytogenetic location: 8q24.3.
Variant type: single nucleotide variant.
Coding change: c.-212G>C on transcript NM_031466.8; 212 bases upstream of the start codon, G replaced by C.
Molecular consequence: 5 prime UTR variant.
Genome position (GRCh38, 1-based): chr8:140,458,482, C>G on the plus strand (G>C on the coding strand, the complement: TRAPPC9 is on the minus strand). VCF-style: chr8-140458482-C-G. GRCh37 (hg19) VCF-style: chr8-141468581-C-G.
Identifiers: ClinVar variation 1763245 (VCV001763245.5), dbSNP rs778011112, ClinGen allele CA4893882.

ClinVar aggregate classification (germline): Uncertain significance. Review status: criteria provided, multiple submitters, no conflicts (2 of 4 stars). 2 submissions from 2 submitters: Uncertain significance (2). Last evaluated 2023-10-13.

Conditions:
Inborn genetic diseases. Identifiers: MedGen C0950123, MeSH D030342.

Allele frequency attached by ClinVar (database versions not stated): gnomAD 0.00001; TOPMed 0.00004; ExAC 0.00004.
gnomAD v4.1: 17 of 1,573,202 alleles (0.0011%); highest among the groups gnomAD compares: Admixed American, 0.02%; no homozygotes.

Submissions (2):

Labcorp Genetics (formerly Invitae), Labcorp
Classification: Uncertain significance. Last evaluated: 2023-10-13. Review status: criteria provided, single submitter. Criteria: Invitae Variant Classification Sherloc (09022015). Collection method: clinical testing. Allele origin: germline.
Comment: This sequence change replaces arginine, which is basic and polar, with proline, which is neutral and non-polar, at codon 28 of the TRAPPC9 protein (p.Arg28Pro). This variant is present in population databases (rs778011112, gnomAD 0.03%). This variant has not been reported in the literature in individuals affected with TRAPPC9-related conditions. ClinVar contains an entry for this variant (Variation ID: 1763245). Experimental studies and prediction algorithms are not available or were not evaluated, and the functional significance of this variant is currently unknown. In summary, the available evidence is currently insufficient to determine the role of this variant in disease. Therefore, it has been classified as a Variant of Uncertain Significance.

Ambry Genetics
Classification: Uncertain significance for Inborn genetic diseases. Last evaluated: 2018-03-12. Review status: criteria provided, single submitter. Criteria: Ambry Variant Classification Scheme 2023. Collection method: clinical testing. Allele origin: germline.
Comment: The p.R28P variant (also known as c.83G>C), located in coding exon 1 of the TRAPPC9 gene, results from a G to C substitution at nucleotide position 83. The arginine at codon 28 is replaced by proline, an amino acid with dissimilar properties. This amino acid position is poorly conserved in available vertebrate species. In addition, this alteration is predicted to be tolerated by in silico analysis. Since supporting evidence is limited at this time, the clinical significance of this alteration remains unclear.